The following is an entry in ClinVar:

NM_001267550.2(TTN):c.54061del (p.Val18021fs)

Genes: TTN-AS1 (TTN antisense RNA 1; plus strand), TTN (titin; minus strand). Cytogenetic location: 2q31.2.
Variant type: Deletion.
Coding change: c.54061del on transcript NM_001267550.2 (MANE Select); coding-DNA position 54061, one base deleted (G; older notation c.54061delG).
Protein change: p.Val18021fs; shifts the reading frame from valine 18021.
Molecular consequence: frameshift variant. On other transcripts: non-coding transcript variant (1).
Genome position (GRCh38, 1-based): chr2:178,605,116, C deleted on the plus strand (G on the coding strand, the reverse complement: TTN is on the minus strand); the first of 2 consecutive C bases (chr2:178,605,116-178,605,117); deleting either gives the same sequence. VCF-style (leftmost placement, unchanged base first): chr2-178605115-AC-A. GRCh37 (hg19) VCF-style: chr2-179469842-AC-A.
Other names: c.49138del, p.Val16380fs (NM_001256850.1); c.26866del, p.Val8956fs (NM_003319.4); c.46357del, p.Val15453fs (NM_133378.4); c.27241del, p.Val9081fs (NM_133432.3); c.27442del, p.Val9148fs (NM_133437.4); short protein forms V18021fs, V15453fs, V16380fs, V9081fs, V9148fs, V8956fs.
Identifiers: ClinVar variation 4785431 (VCV004785431.1).

ClinVar aggregate classification (germline): Likely pathogenic (1 of 4 stars; one submission).

Conditions:
Autosomal recessive limb-girdle muscular dystrophy type 2J (LGMDR10). Also called: Limb-girdle muscular dystrophy, type 2J; MUSCULAR DYSTROPHY, LIMB-GIRDLE, AUTOSOMAL RECESSIVE 10. Identifiers: Orphanet 140922, MedGen C1837342, MONDO:0012127, OMIM 608807.
Dilated cardiomyopathy 1G (CMD1G). Identifiers: Orphanet 154, MedGen C1858763, MONDO:0011400, OMIM 604145.

Submission:

Labcorp Genetics (formerly Invitae), Labcorp
Classification: Likely pathogenic for Dilated cardiomyopathy 1G; Autosomal recessive limb-girdle muscular dystrophy type 2J. Last evaluated: 2025-09-20. Review status: criteria provided, single submitter. Criteria: Invitae Variant Classification Sherloc (09022015). Collection method: clinical testing. Allele origin: germline.
Comment: This sequence change creates a premature translational stop signal (p.Val18021Tyrfs*64) in the TTN gene. While this is not anticipated to result in nonsense mediated decay, it is expected to create a truncated TTN protein. This variant is present in population databases (rs772712408, gnomAD 0.003%). This variant has not been reported in the literature in individuals affected with TTN-related conditions. This variant is located in the A band of TTN (PMID: 25589632). Truncating variants in this region are significantly overrepresented in patients affected with dilated cardiomyopathy (PMID: 25589632). Truncating variants in this region have also been reported in individuals affected with autosomal recessive centronuclear myopathy (PMID: 23975875). In summary, the currently available evidence indicates that the variant is pathogenic, but additional data are needed to prove that conclusively. Therefore, this variant has been classified as Likely Pathogenic.

Literature cited by the submitters: PubMed 25589632; PubMed 23975875.